The following is an entry in ClinVar:

NM_017433.5(MYO3A):c.1856A>G (p.His619Arg)

Gene: MYO3A (myosin IIIA; plus strand). Cytogenetic location: 10p12.1.
Variant type: single nucleotide variant.
Coding change: c.1856A>G on transcript NM_017433.5 (MANE Select); coding-DNA position 1856, A replaced by G.
Protein change: p.His619Arg; replaces histidine 619 with arginine.
Molecular consequence: missense variant.
Genome position (GRCh38, 1-based): chr10:26,120,755, A>G. VCF-style: chr10-26120755-A-G. GRCh37 (hg19) VCF-style: chr10-26409684-A-G.
Other names: short protein forms H619R.
Identifiers: ClinVar variation 4115575 (VCV004115575.2).

ClinVar aggregate classification (germline): Uncertain significance. Review status: criteria provided, multiple submitters, no conflicts (2 of 4 stars). 2 submissions from 2 submitters: Uncertain significance (2). Last evaluated 2026-03-01.

Conditions:
Inborn genetic diseases. Identifiers: MedGen C0950123, MeSH D030342.

gnomAD v4.1: 10 of 1,613,992 alleles (0.00062%); highest among the groups gnomAD compares: Non-Finnish European, 0.00085%; no homozygotes.

Submissions (2):

GeneDx
Classification: Uncertain significance. Last evaluated: 2026-03-01. Review status: criteria provided, single submitter. Criteria: GeneDx Variant Classification Process June 2021. Collection method: clinical testing. Allele origin: germline.
Comment: Not observed at significant frequency in large population cohorts (gnomAD); In silico analysis supports that this missense variant has a deleterious effect on protein structure/function; Has not been previously published as pathogenic or benign to our knowledge

Ambry Genetics
Classification: Uncertain significance for Inborn genetic diseases. Last evaluated: 2025-08-09. Review status: criteria provided, single submitter. Criteria: Ambry Variant Classification Scheme 2023. Collection method: clinical testing. Allele origin: germline.